The following is an entry in ClinVar:

NM_000337.6(SGCD):c.*5877C>A

Gene: SGCD (sarcoglycan delta; plus strand). Cytogenetic location: 5q33.3.
Variant type: single nucleotide variant.
Coding change: c.*5877C>A on transcript NM_000337.6 (MANE Select); 5877 bases downstream of the stop codon, C replaced by A.
Molecular consequence: 3 prime UTR variant.
Genome position (GRCh38, 1-based): chr5:156,765,267, C>A. VCF-style: chr5-156765267-C-A. GRCh37 (hg19) VCF-style: chr5-156192278-C-A.
Other names: c.*5877C>A (NM_001128209.2).
Identifiers: ClinVar variation 352412 (VCV000352412.6), dbSNP rs117879283, ClinGen allele CA10619808.

ClinVar aggregate classification (germline): Benign (1 of 4 stars; one submission).

Conditions:
Qualitative or quantitative defects of delta-sarcoglycan. Identifiers: Orphanet 207070, MedGen C5680806, MONDO:0016144.

Allele frequency attached by ClinVar (database versions not stated): gnomAD 0.00430; TOPMed 0.00592; 1000 Genomes Project 30x 0.01530; 1000 Genomes Project 0.01597.

Submission:

Illumina Laboratory Services, Illumina
Classification: Benign for Qualitative or quantitative defects of delta-sarcoglycan. Last evaluated: 2018-01-13. Review status: criteria provided, single submitter. Criteria: ICSL Variant Classification Criteria 13 December 2019. Collection method: clinical testing. Allele origin: germline.
Comment: This variant was observed in the ICSL laboratory as part of a predisposition screen in an ostensibly healthy population. It had not been previously curated by ICSL or reported in the Human Gene Mutation Database (HGMD: prior to June 1st, 2018), and was therefore a candidate for classification through an automated scoring system. Utilizing variant allele frequency, disease prevalence and penetrance estimates, and inheritance mode, an automated score was calculated to assess if this variant is too frequent to cause the disease. Based on the score and internal cut-off values, a variant classified as benign is not then subjected to further curation. The score for this variant resulted in a classification of benign for this disease.